The following is an entry in ClinVar:

NM_022041.4(GAN):c.857G>A (p.Arg286Gln)

Gene: GAN (gigaxonin; plus strand). Cytogenetic location: 16q23.2.
Variant type: single nucleotide variant.
Coding change: c.857G>A on transcript NM_022041.4 (MANE Select); coding-DNA position 857, G replaced by A.
Protein change: p.Arg286Gln; replaces arginine 286 with glutamine.
Molecular consequence: missense variant.
Genome position (GRCh38, 1-based): chr16:81,357,815, G>A. VCF-style: chr16-81357815-G-A. GRCh37 (hg19) VCF-style: chr16-81391420-G-A.
Other names: c.218G>A, p.Arg73Gln (NM_001377486.1); short protein forms R286Q, R73Q.
Identifiers: ClinVar variation 659731 (VCV000659731.8), dbSNP rs922025345, ClinGen allele CA284305619.

ClinVar aggregate classification (germline): Uncertain significance. Review status: criteria provided, multiple submitters, no conflicts (2 of 4 stars). 2 submissions from 2 submitters: Uncertain significance (2). Last evaluated 2025-10-02.

Conditions:
Inborn genetic diseases. Identifiers: MedGen C0950123, MeSH D030342.
Giant axonal neuropathy 1 (GAN1). Also called: GIANT AXONAL NEUROPATHY 1, AUTOSOMAL RECESSIVE; GAN-Related Neurodegeneration. Identifiers: Orphanet 643, MedGen C1850386, MONDO:0009749, OMIM 256850.

Allele frequency attached by ClinVar (database versions not stated): gnomAD 0.00001 and below 0.00001; TOPMed 0.00001.

Submissions (2):

Labcorp Genetics (formerly Invitae), Labcorp
Classification: Uncertain significance for Giant axonal neuropathy 1. Last evaluated: 2025-10-02. Review status: criteria provided, single submitter. Criteria: Invitae Variant Classification Sherloc (09022015). Collection method: clinical testing. Allele origin: germline.
Comment: This sequence change replaces arginine, which is basic and polar, with glutamine, which is neutral and polar, at codon 286 of the GAN protein (p.Arg286Gln). This variant is present in population databases (no rsID available, gnomAD 0.006%). This variant has not been reported in the literature in individuals affected with GAN-related conditions. ClinVar contains an entry for this variant (Variation ID: 659731). An algorithm developed to predict the effect of missense changes on protein structure and function (PolyPhen-2) suggests that this variant is likely to be tolerated. In summary, the available evidence is currently insufficient to determine the role of this variant in disease. Therefore, it has been classified as a Variant of Uncertain Significance.

Ambry Genetics
Classification: Uncertain significance for Inborn genetic diseases. Last evaluated: 2022-05-19. Review status: criteria provided, single submitter. Criteria: Ambry Variant Classification Scheme 2023. Collection method: clinical testing. Allele origin: germline.
Comment: The p.R286Q variant (also known as c.857G>A), located in coding exon 5 of the GAN gene, results from a G to A substitution at nucleotide position 857. The arginine at codon 286 is replaced by glutamine, an amino acid with highly similar properties. This amino acid position is highly conserved in available vertebrate species. In addition, this alteration is predicted to be deleterious by in silico analysis. Since supporting evidence is limited at this time, the clinical significance of this alteration remains unclear.